The following is an entry in ClinVar:

NC_000007.14:g.(?_5991973)_(6009106_?)del

Genes: PMS2 (PMS1 homolog 2, mismatch repair system component; minus strand), LOC129997916 (ATAC-STARR-seq lymphoblastoid active region 25614; plus strand). Cytogenetic location: 7p22.1.
Variant type: Deletion.
Identifiers: ClinVar variation 417548 (VCV000417548.1).

ClinVar aggregate classification (germline): Pathogenic (1 of 4 stars; one submission).

Conditions:
Lynch syndrome. Identifiers: Orphanet 144, MedGen C4552100, MONDO:0005835. Disease mechanism: loss of function.

Submission:

Labcorp Genetics (formerly Invitae), Labcorp
Classification: Pathogenic for Hereditary nonpolyposis colorectal neoplasms. Last evaluated: 2016-12-19. Review status: criteria provided, single submitter. Criteria: Invitae Variant Classification Sherloc (09022015). Collection method: clinical testing. Allele origin: germline.
Comment: This variant is a gross deletion of the genomic region encompassing exons 1-9 of the PMS2 gene, which includes the initiator codon. The 5' end of this event is unknown as it extends beyond the assayed region for this gene and therefore may encompass additional genes. The 3' boundary is likely confined to intron 9 of the PMS2 gene. This is expected to result in an absent or disrupted protein product. While this particular variant has not been reported in the literature, loss-of-function variants in PMS2 are known to be pathogenic (PMID: 21376568, 24362816). For these reasons, this variant has been classified as Pathogenic.